The following is an entry in ClinVar:

ClinVar aggregate classification (germline): Uncertain significance (1 of 4 stars; one submission).

Conditions:
Inflammatory bowel disease 25. Also called: Inflammatory bowel disease 25, early onset, autosomal recessive. Identifiers: Orphanet 238569, MedGen C2675508, MONDO:0012941, OMIM 612567.

Submission:

Labcorp Genetics (formerly Invitae), Labcorp
Classification: Uncertain significance for Inflammatory bowel disease 25. Last evaluated: 2022-07-08. Review status: criteria provided, single submitter. Criteria: Invitae Variant Classification Sherloc (09022015). Collection method: clinical testing. Allele origin: germline.
Comment: This variant results in a copy number gain of the genomic region encompassing exon(s) 7 of the IL10RB gene. This region includes the termination codon of the gene. This copy number gain extends beyond the assayed region for this gene and therefore may encompass additional genes. As the precise location of this event is unknown, it may be in tandem or it may be located elsewhere in the genome. This variant has not been reported in the literature in individuals affected with IL10RB-related conditions. Experimental studies and prediction algorithms are not available or were not evaluated, and the functional significance of this variant is currently unknown. In summary, the available evidence is currently insufficient to determine the role of this variant in disease. Therefore, it has been classified as a Variant of Uncertain Significance.

NC_000021.8:g.(?_34668469)_(34668662_?)dup

Gene: IL10RB (interleukin 10 receptor subunit beta; plus strand). Cytogenetic location: 21q22.11.
Variant type: Duplication.
Identifiers: ClinVar variation 2423333 (VCV002423333.4).